The following is an entry in ClinVar:

ClinVar aggregate classification (germline): Uncertain significance (1 of 4 stars; one submission).

Conditions:
Methylcobalamin deficiency type cblE (HMAE). Also called: HOMOCYSTINURIA-MEGALOBLASTIC ANEMIA, cblE COMPLEMENTATION TYPE; VITAMIN B12-RESPONSIVE HOMOCYSTINURIA, cblE TYPE; HOMOCYSTINURIA-MEGALOBLASTIC ANEMIA, cblE TYPE. Identifiers: Orphanet 2169, Orphanet 622, MedGen C1856057, MONDO:0009354, OMIM 236270.

Allele frequency attached by ClinVar (database versions not stated): gnomAD exomes below 0.00001; ExAC 0.00001.
gnomAD v4.1: 1 of 1,613,704 alleles (0.000062%); highest among the groups gnomAD compares: Admixed American, 0.0017%; no homozygotes.

Submission:

Labcorp Genetics (formerly Invitae), Labcorp
Classification: Uncertain significance for Methylcobalamin deficiency type cblE. Last evaluated: 2021-08-27. Review status: criteria provided, single submitter. Criteria: Invitae Variant Classification Sherloc (09022015). Collection method: clinical testing. Allele origin: germline.
Comment: This sequence change replaces glutamine with arginine at codon 358 of the MTRR protein (p.Gln358Arg). The glutamine residue is moderately conserved and there is a small physicochemical difference between glutamine and arginine. This variant is present in population databases (rs776598893, ExAC 0.009%). This variant has not been reported in the literature in individuals affected with MTRR-related conditions. Algorithms developed to predict the effect of missense changes on protein structure and function output the following: SIFT: "Tolerated"; PolyPhen-2: "Benign"; Align-GVGD: "Class C0". The arginine amino acid residue is found in multiple mammalian species, which suggests that this missense change does not adversely affect protein function. In summary, the available evidence is currently insufficient to determine the role of this variant in disease. Therefore, it has been classified as a Variant of Uncertain Significance.

NM_002454.3(MTRR):c.1073A>G (p.Gln358Arg)

Gene: MTRR (5-methyltetrahydrofolate-homocysteine methyltransferase reductase; plus strand). Cytogenetic location: 5p15.31.
Variant type: single nucleotide variant.
Coding change: c.1073A>G on transcript NM_002454.3 (MANE Select); coding-DNA position 1073, A replaced by G.
Protein change: p.Gln358Arg; replaces glutamine 358 with arginine.
Molecular consequence: missense variant. On other transcripts: non-coding transcript variant (12).
Genome position (GRCh38, 1-based): chr5:7,886,630, A>G. VCF-style: chr5-7886630-A-G. GRCh37 (hg19) VCF-style: chr5-7886743-A-G.
Other names: c.1073A>G, p.Gln358Arg (NM_001364440.2, NM_001364441.2, NM_001364442.2 and 1 more transcripts); short protein forms Q358R.
Identifiers: ClinVar variation 1380665 (VCV001380665.5), dbSNP rs776598893, ClinGen allele CA3195816.